The following is an entry in ClinVar:

NM_001148.6(ANK2):c.7576T>C (p.Ser2526Pro)

Genes: ANK2 (ankyrin 2; plus strand), LOC126807137 (CDK7 strongly-dependent group 2 enhancer GRCh37_chr4:114276560-114277759; plus strand). Cytogenetic location: 4q26.
Variant type: single nucleotide variant.
Coding change: c.7576T>C on transcript NM_001148.6 (MANE Select); coding-DNA position 7576, T replaced by C.
Protein change: p.Ser2526Pro; replaces serine 2526 with proline.
Molecular consequence: missense variant. On other transcripts: intron variant (68).
Genome position (GRCh38, 1-based): chr4:113,356,194, T>C. VCF-style: chr4-113356194-T-C. GRCh37 (hg19) VCF-style: chr4-114277350-T-C.
Other names: c.7342T>C, p.Ser2448Pro (NM_001386142.1); c.3976T>C, p.Ser1326Pro (NM_001386166.1); c.7717T>C, p.Ser2573Pro (NM_001386174.1); c.7693T>C, p.Ser2565Pro (NM_001386175.1); c.4412-4629T>C (NM_001386186.2, NM_001386148.2); c.4214-4629T>C (NM_001354269.3); c.4292-4629T>C (NM_001386187.2); c.4253-4629T>C (NM_001386147.1); and 35 more; short protein forms S1326P, S2448P, S2526P, S2565P, S2573P.
Identifiers: ClinVar variation 1879614 (VCV001879614.29), dbSNP rs2505743620, ClinGen allele CA357930865.
Genomic context (GRCh38, chr4:113,356,194, plus strand): 5'-CGGTCCCGGCTACTCCGAGACCCTGATGGCAGTGCTGAGGATGACAGTCTTGAGCAGACA[T>C]CGCTCATGGAGAGCTCAGGGAAGAGCCCCCTTTCTCCTGACACCCCCAGCTCTGAAGAAG-3'
Protein context (NP_001139.3, residues 2516-2536): SAEDDSLEQT[Ser2526Pro]LMESSGKSPL

ClinVar aggregate classification (germline): Uncertain significance (1 of 4 stars; one submission).

Submission:

CeGaT Center for Human Genetics Tuebingen
Classification: Uncertain significance. Last evaluated: 2022-11-01. Review status: criteria provided, single submitter. Criteria: CeGaT Center For Human Genetics Tuebingen Variant Classification Criteria Version 2. Collection method: clinical testing. Allele origin: germline. Affected: yes. Observed: 1 variant allele.
Comment: ANK2: PM2